The following is an entry in ClinVar:

ClinVar aggregate classification (germline): Pathogenic (1 of 4 stars; one submission).

Submission:

GeneDx
Classification: Pathogenic. Last evaluated: 2017-05-02. Review status: criteria provided, single submitter. Criteria: GeneDx Variant Classification (06012015). Collection method: clinical testing. Allele origin: germline. Affected: yes.
Comment: The c.57dupG variant in the ADNP gene has not been reported previously as a pathogenic variant nor as a benign variant, to our knowledge. The c.57dupG variant causes a frameshift starting with codon Lysine 20, changes this amino acid to a Glutamic acid residue, and creates a premature Stop codon at position 5 of the new reading frame, denoted p.Lys20GlufsX5. This variant is predicted to cause loss of normal protein function either through protein truncation or nonsense-mediated mRNA decay. The c.57dupG variant is not observed in large population cohorts (Lek et al., 2016; 1000 Genomes Consortium et al., 2015; Exome Variant Server). We interpret c.57dupG as a pathogenic variant.

NM_001282531.3(ADNP):c.57dup (p.Lys20fs)

Gene: ADNP (activity dependent neuroprotector homeobox; minus strand). Cytogenetic location: 20q13.13.
Variant type: Duplication.
Coding change: c.57dup on transcript NM_001282531.3 (MANE Select); coding-DNA position 57, one base duplicated (G; older notation c.57dupG).
Protein change: p.Lys20fs; shifts the reading frame from lysine 20.
Molecular consequence: frameshift variant.
Genome position (GRCh38, 1-based): chr20:50,903,940, C duplicated on the plus strand (G on the coding strand, the reverse complement: ADNP is on the minus strand). VCF-style (leftmost placement, unchanged base first): chr20-50903939-T-TC. GRCh37 (hg19) VCF-style: chr20-49520476-T-TC.
Other names: c.57dup, p.Lys20fs (NM_001282532.2, NM_001347511.2, NM_015339.5 and 1 more transcripts); short protein forms K20fs.
Identifiers: ClinVar variation 429255 (VCV000429255.2), dbSNP rs1131691281, ClinGen allele CA645369743.
Genomic context (GRCh38, chr20:50,903,939, plus strand): 5'-TGCTACTTACTTCTATATGTTCTTTACAGTATTCCAACCCAATGTCACTAAGTATTTTTT[T>TC]CACAGTTTTCCGGGCTTTTCTTAAACTGCCAAGATTGTTGACAGGAAGTTGGAACATAGT-3'